The following is an entry in ClinVar:

ClinVar aggregate classification (germline): Uncertain significance (1 of 4 stars; one submission).

Conditions:
Inborn genetic diseases. Identifiers: MedGen C0950123, MeSH D030342.

Submission:

Ambry Genetics
Classification: Uncertain significance for Inborn genetic diseases. Last evaluated: 2025-04-05. Review status: criteria provided, single submitter. Criteria: Ambry Variant Classification Scheme 2023. Collection method: clinical testing. Allele origin: germline.
Comment: The p.G1469E variant (also known as c.4406G>A), located in coding exon 13 of the ASXL1 gene, results from a G to A substitution at nucleotide position 4406. The glycine at codon 1469 is replaced by glutamic acid, an amino acid with similar properties. This amino acid position is conserved. In addition, the in silico prediction for this alteration is inconclusive. Based on the available evidence, the clinical significance of this variant remains unclear.

NM_015338.6(ASXL1):c.4406G>A (p.Gly1469Glu)

Gene: ASXL1 (ASXL transcriptional regulator 1; plus strand). Cytogenetic location: 20q11.21.
Variant type: single nucleotide variant.
Coding change: c.4406G>A on transcript NM_015338.6 (MANE Select); coding-DNA position 4406, G replaced by A.
Protein change: p.Gly1469Glu; replaces glycine 1469 with glutamic acid.
Molecular consequence: missense variant.
Genome position (GRCh38, 1-based): chr20:32,437,118, G>A. VCF-style: chr20-32437118-G-A. GRCh37 (hg19) VCF-style: chr20-31024921-G-A.
Other names: c.4223G>A, p.Gly1408Glu (NM_001363734.1); short protein forms G1469E, G1408E.
Identifiers: ClinVar variation 3955826 (VCV003955826.1).